The following is an entry in ClinVar:

ClinVar aggregate classification (germline): Uncertain significance (1 of 4 stars; one submission).

Conditions:
Amyotrophic lateral sclerosis type 1 (ALS1). Also called: AMYOTROPHIC LATERAL SCLEROSIS 1, FAMILIAL. Identifiers: Orphanet 803, MedGen C1862939, MONDO:0007103, OMIM 105400.
Perry syndrome. Also called: PARKINSONISM WITH ALVEOLAR HYPOVENTILATION AND MENTAL DEPRESSION. Identifiers: Orphanet 178509, MedGen C1868594, MONDO:0008201, OMIM 168605.
Neuronopathy, distal hereditary motor, type 7B. Also called: NEUROPATHY, DISTAL HEREDITARY MOTOR, WITH VOCAL CORD PARALYSIS, HARDING TYPE VIIB; Distal Hereditary Motor Neuronopathy Type 7B (dHMN7B); LOWER MOTOR NEURON DISEASE, DYNACTIN TYPE; HMN VIIB; NEURONOPATHY, DISTAL HEREDITARY MOTOR, AUTOSOMAL DOMINANT 14; NEURONOPATHY, DISTAL HEREDITARY MOTOR, HARDING TYPE VIIB. Identifiers: Orphanet 139589, MedGen C1843315, MONDO:0011879, OMIM 607641.

Allele frequency attached by ClinVar (database versions not stated): gnomAD exomes 0.00001.
gnomAD v4.1: 4 of 1,614,158 alleles (0.00025%); highest among the groups gnomAD compares: Non-Finnish European, 0.00034%; no homozygotes.

Submission:

Labcorp Genetics (formerly Invitae), Labcorp
Classification: Uncertain significance for Amyotrophic lateral sclerosis type 1; Neuronopathy, distal hereditary motor, type 7B; Perry syndrome. Last evaluated: 2024-08-06. Review status: criteria provided, single submitter. Criteria: Invitae Variant Classification Sherloc (09022015). Collection method: clinical testing. Allele origin: germline.
Comment: This sequence change replaces serine, which is neutral and polar, with threonine, which is neutral and polar, at codon 1125 of the DCTN1 protein (p.Ser1125Thr). This variant is present in population databases (no rsID available, gnomAD 0.003%). This variant has not been reported in the literature in individuals affected with DCTN1-related conditions. ClinVar contains an entry for this variant (Variation ID: 1368763). Advanced modeling of protein sequence and biophysical properties (such as structural, functional, and spatial information, amino acid conservation, physicochemical variation, residue mobility, and thermodynamic stability) performed at Invitae indicates that this missense variant is not expected to disrupt DCTN1 protein function with a negative predictive value of 80%. In summary, the available evidence is currently insufficient to determine the role of this variant in disease. Therefore, it has been classified as a Variant of Uncertain Significance.

NM_004082.5(DCTN1):c.3373T>A (p.Ser1125Thr)

Gene: DCTN1 (dynactin subunit 1; minus strand). Cytogenetic location: 2p13.1.
Variant type: single nucleotide variant.
Coding change: c.3373T>A on transcript NM_004082.5 (MANE Select); coding-DNA position 3373, T replaced by A.
Protein change: p.Ser1125Thr; replaces serine 1125 with threonine.
Molecular consequence: missense variant. On other transcripts: non-coding transcript variant (1).
Genome position (GRCh38, 1-based): chr2:74,363,150, A>T on the plus strand (T>A on the coding strand, the complement: DCTN1 is on the minus strand). VCF-style: chr2-74363150-A-T. GRCh37 (hg19) VCF-style: chr2-74590277-A-T.
Other names: c.3298T>A, p.Ser1100Thr (NM_001135040.3); c.2956T>A, p.Ser986Thr (NM_001135041.3); c.3247T>A, p.Ser1083Thr (NM_001190836.2); c.3352T>A, p.Ser1118Thr (NM_001190837.2); c.3322T>A, p.Ser1108Thr (NM_001378991.1); c.3304T>A, p.Ser1102Thr (NM_001378992.1); c.2971T>A, p.Ser991Thr (NM_023019.4); short protein forms S1100T, S1108T, S1118T, S1102T, S1125T, S986T, S991T, S1083T.
Identifiers: ClinVar variation 1368763 (VCV001368763.9), dbSNP rs1191490257, ClinGen allele CA347337368.